The following is an entry in ClinVar:

ClinVar aggregate classification (germline): Uncertain significance (1 of 4 stars; one submission).

Conditions:
Hypertrophic cardiomyopathy. Also called: HYPERTROPHIC MYOCARDIOPATHY. Identifiers: Orphanet 217569, MedGen C0007194, MeSH D002312, MONDO:0005045, HP:0001639.

Submission:

Labcorp Genetics (formerly Invitae), Labcorp
Classification: Uncertain significance for Hypertrophic cardiomyopathy. Last evaluated: 2022-08-04. Review status: criteria provided, single submitter. Criteria: Invitae Variant Classification Sherloc (09022015). Collection method: clinical testing. Allele origin: germline.
Comment: In summary, the available evidence is currently insufficient to determine the role of this variant in disease. Therefore, it has been classified as a Variant of Uncertain Significance. Algorithms developed to predict the effect of missense changes on protein structure and function are either unavailable or do not agree on the potential impact of this missense change (SIFT: "Tolerated"; PolyPhen-2: "Probably Damaging"; Align-GVGD: "Class C0"). ClinVar contains an entry for this variant (Variation ID: 1509363). This variant has not been reported in the literature in individuals affected with JPH2-related conditions. This variant is not present in population databases (gnomAD no frequency). This sequence change replaces glutamic acid, which is acidic and polar, with glutamine, which is neutral and polar, at codon 37 of the JPH2 protein (p.Glu37Gln).

NM_020433.5(JPH2):c.109G>C (p.Glu37Gln)

Gene: JPH2 (junctophilin 2; minus strand). Cytogenetic location: 20q13.12.
Variant type: single nucleotide variant.
Coding change: c.109G>C on transcript NM_020433.5 (MANE Select); coding-DNA position 109, G replaced by C.
Protein change: p.Glu37Gln; replaces glutamic acid 37 with glutamine.
Molecular consequence: missense variant.
Genome position (GRCh38, 1-based): chr20:44,186,597, C>G on the plus strand (G>C on the coding strand, the complement: JPH2 is on the minus strand). VCF-style: chr20-44186597-C-G. GRCh37 (hg19) VCF-style: chr20-42815237-C-G.
Other names: c.109G>C, p.Glu37Gln (NM_175913.4); short protein forms E37Q.
Identifiers: ClinVar variation 1509363 (VCV001509363.8), dbSNP rs1427861059, ClinGen allele CA409095516.